The following is an entry in ClinVar:

NM_004183.4(BEST1):c.1739+223G>A

Gene: BEST1 (bestrophin 1; plus strand). Cytogenetic location: 11q12.3.
Variant type: single nucleotide variant.
Coding change: c.1739+223G>A on transcript NM_004183.4 (MANE Select); 223 bases into the intron after coding-DNA position 1739, G replaced by A.
Molecular consequence: intron variant. On other transcripts: synonymous variant (9), 3 prime UTR variant (1).
Genome position (GRCh38, 1-based): chr11:61,963,116, G>A. VCF-style: chr11-61963116-G-A. GRCh37 (hg19) VCF-style: chr11-61730588-G-A.
Other names: c.1782G>A, p.Pro594= (NM_001139443.3); c.1644G>A, p.Pro548= (NM_001363591.3); c.*857G>A (NM_001363592.2); c.990G>A, p.Pro330= (NM_001363593.3); c.1962G>A, p.Pro654= (NM_001440571.1); c.1881G>A, p.Pro627= (NM_001440572.1); c.1809G>A, p.Pro603= (NM_001440573.1); c.1701G>A, p.Pro567= (NM_001440574.1); and 4 more.
Identifiers: ClinVar variation 4533753 (VCV004533753.6).
Genomic context (GRCh38, chr11:61,963,116, plus strand): 5'-CTTCACAGGGATCCTAGGGAAGTGTTCGGGACCTTTTCTCACTTCACCCTGGTATCACCC[G>A]GAAGACTTCTTGGGACCAGGTGAAGGAAGATGAGGTTGTGCTGACCAGAATGCTGCTGGA-3'

ClinVar aggregate classification (germline): Likely benign (1 of 4 stars; one submission).

gnomAD v4.1: 20 of 1,460,422 alleles (0.0014%); highest among the groups gnomAD compares: East Asian, 0.0025%; no homozygotes.

Submission:

CeGaT Center for Human Genetics Tuebingen
Classification: Likely benign. Last evaluated: 2025-12-01. Review status: criteria provided, single submitter. Criteria: CeGaT Center For Human Genetics Tuebingen Variant Classification Criteria Version 2. Collection method: clinical testing. Allele origin: germline. Affected: yes. Observed: 1 variant allele.
Comment: BEST1: BP4, BP7